The following is an entry in ClinVar:

NM_001042492.3(NF1):c.5628del (p.Leu1877fs)

Gene: NF1 (neurofibromin 1; plus strand). Cytogenetic location: 17q11.2.
Variant type: Deletion.
Coding change: c.5628del on transcript NM_001042492.3 (MANE Select); coding-DNA position 5628, one base deleted (T; older notation c.5628delT).
Protein change: p.Leu1877fs; shifts the reading frame from leucine 1877.
Molecular consequence: frameshift variant.
Genome position (GRCh38, 1-based): chr17:31,330,314, T deleted; the last of 2 consecutive T bases (chr17:31,330,313-31,330,314); deleting either gives the same sequence. VCF-style (leftmost placement, unchanged base first): chr17-31330312-CT-C. GRCh37 (hg19) VCF-style: chr17-29657330-CT-C.
Other names: c.5565delT, p.Leu1856Cysfs (NM_000267.4); short protein forms L1877fs, L1856fs.
Identifiers: ClinVar variation 3660905 (VCV003660905.2).

ClinVar aggregate classification (germline): Pathogenic (1 of 4 stars; one submission).

Conditions:
Neurofibromatosis, type 1 (NF1). Also called: Peripheral type neurofibromatosis; VON RECKLINGHAUSEN DISEASE; NEUROFIBROMATOSIS, TYPE I, SOMATIC; Neurofibromatosis, type I. Identifiers: Orphanet 636, MedGen C0027831, MONDO:0018975, OMIM 162200. Disease mechanism: loss of function.

Submission:

Labcorp Genetics (formerly Invitae), Labcorp
Classification: Pathogenic for Neurofibromatosis, type 1. Last evaluated: 2024-07-30. Review status: criteria provided, single submitter. Criteria: Invitae Variant Classification Sherloc (09022015). Collection method: clinical testing. Allele origin: germline.
Comment: This sequence change creates a premature translational stop signal (p.Leu1856Cysfs*4) in the NF1 gene. It is expected to result in an absent or disrupted protein product. Loss-of-function variants in NF1 are known to be pathogenic (PMID: 10712197, 23913538). This variant is not present in population databases (gnomAD no frequency). This variant has not been reported in the literature in individuals affected with NF1-related conditions. For these reasons, this variant has been classified as Pathogenic.

Literature cited by the submitters: PubMed 10712197; PubMed 23913538.